The following is an entry in ClinVar:

ClinVar aggregate classification (germline): Conflicting classifications of pathogenicity. Review status: criteria provided, conflicting classifications (1 of 4 stars). 4 submissions from 4 submitters: Likely pathogenic (1); Uncertain significance (3). Last evaluated 2025-06-30.

Conditions:
Mevalonic aciduria (MEVA). Identifiers: Orphanet 29, MedGen C1959626, MONDO:0012481, OMIM 610377.
Porokeratosis 3, disseminated superficial actinic type (POROK3). Also called: POROKERATOSIS 3, MIBELLI TYPE; POROKERATOSIS 3, MULTIPLE TYPES; POROKERATOSIS, DISSEMINATED SUPERFICIAL ACTINIC, 1. Identifiers: MedGen C1867981, MONDO:0008293, OMIM 175900.
Hyperimmunoglobulin D with periodic fever (HIDS). Also called: Hyperimmunoglobulinemia D with periodic fever; HYPERIMMUNOGLOBULINEMIA D AND PERIODIC FEVER SYNDROME; Hyperimmunoglobulinemia D. Identifiers: Orphanet 343, MedGen C0398691, MONDO:0009849, OMIM 260920.

Allele frequency attached by ClinVar (database versions not stated): gnomAD exomes below 0.00001 and 0.00001; gnomAD 0.00001; TOPMed 0.00001.
gnomAD v4.1: 8 of 1,614,048 alleles (0.0005%); highest among the groups gnomAD compares: Admixed American, 0.005%; no homozygotes.

Submissions (4):

Labcorp Genetics (formerly Invitae), Labcorp
Classification: Likely pathogenic for Mevalonic aciduria; Hyperimmunoglobulin D with periodic fever; Porokeratosis 3, disseminated superficial actinic type. Last evaluated: 2025-06-30. Review status: criteria provided, single submitter. Criteria: Invitae Variant Classification Sherloc (09022015). Collection method: clinical testing. Allele origin: germline.
Comment: This sequence change replaces leucine, which is neutral and non-polar, with phenylalanine, which is neutral and non-polar, at codon 51 of the MVK protein (p.Leu51Phe). This variant is present in population databases (no rsID available, gnomAD 0.006%). This missense change has been observed in individual(s) with hyperimmunoglobulin D syndrome and/or mevalonate kinase deficiency (PMID: 21708801, 25677409, 26986117, 28603204). ClinVar contains an entry for this variant (Variation ID: 618224). Invitae Evidence Modeling of protein sequence and biophysical properties (such as structural, functional, and spatial information, amino acid conservation, physicochemical variation, residue mobility, and thermodynamic stability) indicates that this missense variant is expected to disrupt MVK protein function with a positive predictive value of 95%. In summary, the currently available evidence indicates that the variant is pathogenic, but additional data are needed to prove that conclusively. Therefore, this variant has been classified as Likely Pathogenic.

GeneDx
Classification: Uncertain significance. Last evaluated: 2025-06-13. Review status: criteria provided, single submitter. Criteria: GeneDx Variant Classification Process June 2021. Collection method: clinical testing. Allele origin: germline. Affected: yes.
Comment: In silico analysis supports that this missense variant has a deleterious effect on protein structure/function; This variant is associated with the following publications: (PMID: 28603204, 21708801, Buda2022[CaseReport], 25677409, 29451047)

Mayo Clinic Laboratories, Mayo Clinic
Classification: Uncertain significance. Last evaluated: 2025-03-25. Review status: criteria provided, single submitter. Criteria: ACMG Guidelines, 2015. Collection method: clinical testing. Allele origin: germline. Observed: 1 variant allele.
Comment: PP3_moderate, PM2_supporting, PM3

ARUP Laboratories, Molecular Genetics and Genomics, ARUP Laboratories
Classification: Uncertain significance. Last evaluated: 2017-06-30. Review status: criteria provided, single submitter. Criteria: ARUP Molecular Germline Variant Investigation Process. Collection method: clinical testing. Allele origin: germline.
Comment: The MVK c.151C>T;p.Leu51Phe variant has not been published in the medical literature, but has been listed in a gene-specific database in a symptomatic individual (see link below). The variant is not listed in the ClinVar database or in the dbSNP database, but is listed in the Genome Aggregation Database with an allele frequency of 0.001218 percent (3/246270 alleles). The amino acid at this position is not well conserved across species, but computational algorithms do not reach a consensus (AlignGVGD: C0, PolyPhen2: Possibly Damaging, SIFT: Tolerated). Considering available information, the clinical significance of this variant cannot be determined with certainty. References: Link to MVK c.151C>T variant in InFevers database

Literature cited by the submitters: PubMed 21708801 (cited by Labcorp Genetics (formerly Invitae), Labcorp and Mayo Clinic Laboratories, Mayo Clinic); PubMed 25677409 (cited by Labcorp Genetics (formerly Invitae), Labcorp); PubMed 26986117 (cited by Labcorp Genetics (formerly Invitae), Labcorp); PubMed 28603204 (cited by Labcorp Genetics (formerly Invitae), Labcorp and Mayo Clinic Laboratories, Mayo Clinic).

NM_000431.4(MVK):c.151C>T (p.Leu51Phe)

Gene: MVK (mevalonate kinase; plus strand). Cytogenetic location: 12q24.11.
Variant type: single nucleotide variant.
Coding change: c.151C>T on transcript NM_000431.4 (MANE Select); coding-DNA position 151, C replaced by T.
Protein change: p.Leu51Phe; replaces leucine 51 with phenylalanine.
Molecular consequence: missense variant.
Genome position (GRCh38, 1-based): chr12:109,576,070, C>T. VCF-style: chr12-109576070-C-T. GRCh37 (hg19) VCF-style: chr12-110013875-C-T.
Other names: c.151C>T, p.Leu51Phe (NM_001114185.3, NM_001301182.2); c.151C>T (NM_000431.2); short protein forms L51F.
Identifiers: ClinVar variation 618224 (VCV000618224.11), dbSNP rs892779197, ClinGen allele CA243452394.
Genomic context (GRCh38, chr12:109,576,070, plus strand): 5'-GTATCCTTGAACTTGAGAACATTCCTCCGGCTTCAACCCCACAGCAATGGGAAAGTGGAC[C>T]TCAGCTTACCCAACATTGGTATCAAGCGGGCCTGGGATGTGGCCAGGCTTCAGTCACTGG-3'
Protein context (NP_000422.1, residues 41-61): LQPHSNGKVD[Leu51Phe]SLPNIGIKRA